The following is an entry in ClinVar:

ClinVar aggregate classification (germline): Uncertain significance (1 of 4 stars; one submission).

Conditions:
Hereditary cancer-predisposing syndrome. Also called: Neoplastic Syndromes, Hereditary; Tumor predisposition; Hereditary neoplastic syndrome; Hereditary Cancer Syndrome. Identifiers: Orphanet 140162, MedGen C0027672, MeSH D009386, MONDO:0015356.

Submission:

Ambry Genetics
Classification: Uncertain significance for Hereditary cancer-predisposing syndrome. Last evaluated: 2026-06-24. Review status: criteria provided, single submitter. Criteria: Ambry Variant Classification Scheme 2023. Collection method: clinical testing. Allele origin: germline.
Comment: The p.K437E variant (also known as c.1309A>G), located in coding exon 7 of the SMARCA4 gene, results from an A to G substitution at nucleotide position 1309. The lysine at codon 437 is replaced by glutamic acid, an amino acid with similar properties. This amino acid position is conserved. In addition, this alteration is predicted to be deleterious by in silico analysis. Based on the available evidence, the clinical significance of this variant remains unclear.

NM_003072.5(SMARCA4):c.1309A>G (p.Lys437Glu)

Gene: SMARCA4 (SWI/SNF related BAF chromatin remodeling complex subunit ATPase 4; plus strand). Cytogenetic location: 19p13.2.
Variant type: single nucleotide variant.
Coding change: c.1309A>G on transcript NM_003072.5 (MANE Select); coding-DNA position 1309, A replaced by G.
Protein change: p.Lys437Glu; replaces lysine 437 with glutamic acid.
Molecular consequence: missense variant. On other transcripts: non-coding transcript variant (1).
Genome position (GRCh38, 1-based): chr19:10,991,213, A>G. VCF-style: chr19-10991213-A-G. GRCh37 (hg19) VCF-style: chr19-11101889-A-G.
Other names: c.1309A>G, p.Lys437Glu (NM_001128844.3, NM_001128845.2, NM_001128846.2 and 6 more transcripts); short protein forms K437E.
Identifiers: ClinVar variation 5029820 (VCV005029820.1).